The following is an entry in ClinVar:

ClinVar aggregate classification (germline): Pathogenic (1 of 4 stars; one submission).

Conditions:
Mucopolysaccharidosis, MPS-IV-B (MPS4B). Also called: Mucopolysaccharidosis type 4B; Mucopolysaccharidosis type IVB (Morquio); MPS IVB; MORQUIO SYNDROME B; Mucopolysaccharidosis type IV B; Mucopolysaccharidosis Type IVB. Identifiers: Orphanet 309310, Orphanet 582, MedGen C0086652, MONDO:0009660, OMIM 253010.
GM1 gangliosidosis. Identifiers: Orphanet 354, MedGen C0085131, MONDO:0018149.

Submission:

Labcorp Genetics (formerly Invitae), Labcorp
Classification: Pathogenic for Mucopolysaccharidosis, MPS-IV-B; GM1 gangliosidosis. Last evaluated: 2023-11-21. Review status: criteria provided, single submitter. Criteria: Invitae Variant Classification Sherloc (09022015). Collection method: clinical testing. Allele origin: germline.
Comment: This sequence change creates a premature translational stop signal (p.Gly528*) in the GLB1 gene. It is expected to result in an absent or disrupted protein product. Loss-of-function variants in GLB1 are known to be pathogenic (PMID: 18524657). This variant is not present in population databases (gnomAD no frequency). This premature translational stop signal has been observed in individual(s) with GLB1-related conditions (PMID: 35614200). This variant is also known as c.1726G>T (p.Gly576*). For these reasons, this variant has been classified as Pathogenic.

Literature cited by the submitters: PubMed 18524657; PubMed 35614200.

NM_000404.4(GLB1):c.1582G>T (p.Gly528Ter)

Gene: GLB1 (galactosidase beta 1; minus strand). Cytogenetic location: 3p22.3.
Variant type: single nucleotide variant.
Coding change: c.1582G>T on transcript NM_000404.4 (MANE Select); coding-DNA position 1582, G replaced by T.
Protein change: p.Gly528Ter; replaces glycine 528 with a stop codon.
Molecular consequence: nonsense.
Genome position (GRCh38, 1-based): chr3:33,014,208, C>A on the plus strand (G>T on the coding strand, the complement: GLB1 is on the minus strand). VCF-style: chr3-33014208-C-A. GRCh37 (hg19) VCF-style: chr3-33055700-C-A.
Other names: c.1189G>T, p.Gly397Ter (NM_001135602.3); c.1726G>T, p.Gly576Ter (NM_001317040.2); c.1582G>T, p.Gly528Ter (NM_001393580.1); c.1492G>T, p.Gly498Ter (NM_001079811.3); short protein forms G397*, G528*, G576*, G498*.
Identifiers: ClinVar variation 2954097 (VCV002954097.3), dbSNP rs2471248619, ClinGen allele CA351986062.